The following is an entry in ClinVar:

NM_030665.4(RAI1):c.125G>T (p.Arg42Leu)

Gene: RAI1 (retinoic acid induced 1; plus strand). Cytogenetic location: 17p11.2.
Variant type: single nucleotide variant.
Coding change: c.125G>T on transcript NM_030665.4 (MANE Select); coding-DNA position 125, G replaced by T.
Protein change: p.Arg42Leu; replaces arginine 42 with leucine.
Molecular consequence: missense variant.
Genome position (GRCh38, 1-based): chr17:17,793,073, G>T. VCF-style: chr17-17793073-G-T. GRCh37 (hg19) VCF-style: chr17-17696387-G-T.
Other names: short protein forms R42L.
Identifiers: ClinVar variation 3675012 (VCV003675012.2).
Genomic context (GRCh38, chr17:17,793,073, plus strand): 5'-AGGAAACATCACGCCTAGAGAATTACAGGCAGCCGAGTCAGGCCGGGCTAAGCTGCGACC[G>T]GCAGCGGCTGCTCGCCAAGGACTATTATAACCCGCAGCCTTACCCGAGCTATGAGGGTGG-3'
Protein context (NP_109590.3, residues 32-52): QPSQAGLSCD[Arg42Leu]QRLLAKDYYN

ClinVar aggregate classification (germline): Uncertain significance (1 of 4 stars; one submission).

gnomAD v4.1: 2 of 1,613,684 alleles (0.00012%); highest among the groups gnomAD compares: East Asian, 0.0022%; no homozygotes.

Submission:

Labcorp Genetics (formerly Invitae), Labcorp
Classification: Uncertain significance. Last evaluated: 2024-04-10. Review status: criteria provided, single submitter. Criteria: Invitae Variant Classification Sherloc (09022015). Collection method: clinical testing. Allele origin: germline.
Comment: This sequence change replaces arginine, which is basic and polar, with leucine, which is neutral and non-polar, at codon 42 of the RAI1 protein (p.Arg42Leu). This variant is not present in population databases (gnomAD no frequency). This variant has not been reported in the literature in individuals affected with RAI1-related conditions. Advanced modeling of protein sequence and biophysical properties (such as structural, functional, and spatial information, amino acid conservation, physicochemical variation, residue mobility, and thermodynamic stability) has been performed at Invitae for this missense variant, however the output from this modeling did not meet the statistical confidence thresholds required to predict the impact of this variant on RAI1 protein function. In summary, the available evidence is currently insufficient to determine the role of this variant in disease. Therefore, it has been classified as a Variant of Uncertain Significance.